The following is an entry in ClinVar:

NM_001852.4(COL9A2):c.846+1G>A

Gene: COL9A2 (collagen type IX alpha 2 chain; minus strand). Cytogenetic location: 1p34.2.
Variant type: single nucleotide variant.
Coding change: c.846+1G>A on transcript NM_001852.4 (MANE Select); the canonical splice donor site of the intron after coding-DNA position 846, G replaced by A.
Molecular consequence: splice donor variant.
Genome position (GRCh38, 1-based): chr1:40,309,937, C>T on the plus strand (G>A on the coding strand, the complement: COL9A2 is on the minus strand). VCF-style: chr1-40309937-C-T. GRCh37 (hg19) VCF-style: chr1-40775609-C-T.
Identifiers: ClinVar variation 5006561 (VCV005006561.2).

ClinVar aggregate classification (germline): Uncertain significance (1 of 4 stars; one submission).

Conditions:
Stickler syndrome, type 5 (STL5). Also called: COL9A2-Related Stickler Syndrome. Identifiers: Orphanet 250984, Orphanet 828, MedGen C3280342, MONDO:0013666, OMIM 614284.
Epiphyseal dysplasia, multiple, 2 (EDM2). Also called: COL9A2-Related Multiple Epiphyseal Dysplasia. Identifiers: MedGen C1838429, MONDO:0010844, OMIM 600204.

Submission:

Juno Genomics, Hangzhou Juno Genomics, Inc
Classification: Uncertain significance for Stickler syndrome, type 5; Epiphyseal dysplasia, multiple, 2. Review status: criteria provided, single submitter. Criteria: ACMG Guidelines, 2015. Collection method: clinical testing. Allele origin: germline.
Comment: Null variant in a gene where loss of function (LOF) is a known mechanism of disease.;Absent from controls (or at extremely low frequency if recessive) in Genome Aggregation Database.